The following continues an entry in ClinVar:

NM_000256.3(MYBPC3):c.2827C>T (p.Arg943Ter)

Gene: MYBPC3. ClinVar aggregate classification (germline): Pathogenic. Pathogenic (22).

Submissions 9 to 19 of 29:

Color Diagnostics, LLC DBA Color Health
Classification: Pathogenic for Cardiomyopathy. Last evaluated: 2023-12-18. Review status: criteria provided, single submitter. Criteria: ACMG Guidelines, 2015. Collection method: clinical testing. Allele origin: germline.
Comment: This variant changes 1 nucleotide in exon 27 of the MYBPC3 gene, creating a premature translation stop signal. This variant is expected to result in an absent or non-functional protein product. Functional RNA studies using cardiac tissue derived from a heterozygous carrier individual have shown that this variant causes a significant reduction in MYBPC3 mRNA levels (PMID: 33757590). This variant has been observed in over 20 unrelated individuals affected with hypertrophic cardiomyopathy (PMID: 16679492, 20624503, 22857948, 23233322, 24111713, 25335496, 27532257, 31006259, 31513939, 33757590, 36252119, 36835444) and is considered to be a founder mutation in the Dutch population (PMID: 20505798, 28794111). This variant has been reported to cause lethal cardiomyopathy or severe neonatal hypertrophic cardiomyopathy in individuals who were homozygous or compound heterozygous with another pathogenic mutation (PMID: 16679492, 24111713, 25335496, 30742251, 36178741). It has also been reported in two individuals affected with left ventricular noncompaction who both carried an additional different pathogenic variant (PMID: 31918855, 37963751), and in one individual affected with atrioventricular block (PMID: 35470684). This variant has been identified in 3/247124 chromosomes in the general population by the Genome Aggregation Database (gnomAD). Loss of MYBPC3 function is a known mechanism of disease. Based on available evidence, this variant is classified as Pathogenic.

Women's Health and Genetics/Laboratory Corporation of America, LabCorp
Classification: Pathogenic for Cardiomyopathy. Last evaluated: 2023-02-20. Review status: criteria provided, single submitter. Criteria: LabCorp Variant Classification Summary - May 2015. Collection method: clinical testing. Allele origin: germline.
Comment: Variant summary: MYBPC3 c.2827C>T (p.Arg943X) results in a premature termination codon, predicted to cause a truncation of the encoded protein or absence of the protein due to nonsense mediated decay, which are commonly known mechanisms for disease. Truncations downstream of this position have been classified as pathogenic by our laboratory. The variant allele was found at a frequency of 1.2e-05 in 247124 control chromosomes (gnomAD). c.2827C>T has been reported in the literature in multiple individuals affected with Hypertrophic Cardiomyopathy (e.g. Van Driest_2004, Deprez_2006, Michels_2007, Berge_2013). These data indicate that the variant is very likely to be associated with disease. 15 clinical diagnostic laboratories have submitted clinical-significance assessments for this variant to ClinVar after 2014 and classified the variant as pathogenic. Based on the evidence outlined above, the variant was classified as pathogenic.

Victorian Clinical Genetics Services, Murdoch Childrens Research Institute
Classification: Pathogenic for Hypertrophic cardiomyopathy 4. Last evaluated: 2022-06-24. Review status: criteria provided, single submitter. Criteria: ACMG Guidelines, 2015. Collection method: clinical testing. Allele origin: germline. Affected: yes.
Comment: Based on the classification scheme VCGS_Germline_v1.3.4, this variant is classified as Pathogenic. Following criteria are met: 0102 - Loss of function is a known mechanism of disease in this gene and is associated with hypertrophic cardiomyopathy 4 (HCM; MIM#115197). (I) 0108 - This gene is associated with both recessive and dominant disease. Dominant inheritance is frequently reported in adult onset conditions, however recessive inheritance results in a more severe early onset phenotype (OMIM). (I) 0115 - Variants in this gene are known to have variable expressivity (PMID: 32841044). (I) 0201 - Variant is predicted to cause nonsense-mediated decay (NMD) and loss of protein (premature termination codon is located at least 54 nucleotides upstream of the final exon-exon junction). (SP) 0251 - This variant is heterozygous. (I) 0302 - Variant is present in gnomAD (v3) <0.001 for a dominant condition (4 heterozygotes, 0 homozygotes). (SP) 0701 - Other null variants comparable to the one identified in this case have very strong previous evidence for pathogenicity. There are at least ten pathogenic NMD-predicted variants that have been reported (DECIPHER). (SP) 0801 - This variant has strong previous evidence of pathogenicity in unrelated individuals. This variant is a Dutch founder variant and has been classified as pathogenic by multiple diagnostic laboratories. This variant has also been reported to be compound heterozygous or homozygous in individuals with severe early-onset disease (ClinVar, PMID: 25335496). (SP) 1002 - This variant has moderate functional evidence supporting abnormal protein function. Cardiomyocytes derived from induced pluripotent stem cells (iPSC-CMs) heterozygous for this variant demonstrated aberrant calcium signalling and prolonged relaxation kinetics compared to WT cells, with homozygous iPSC-CMs demonstrating more severe impairment (PMID: 30586709). (SP) 1208 - Inheritance information for this variant is not currently available in this individual. (I) Legend: (SP) - Supporting pathogenic, (I) - Information, (SB) - Supporting benign

GeneDx
Classification: Pathogenic. Last evaluated: 2022-06-03. Review status: criteria provided, single submitter. Criteria: GeneDx Variant Classification Process June 2021. Collection method: clinical testing. Allele origin: germline. Affected: yes.
Comment: Nonsense variant predicted to result in protein truncation or nonsense mediated decay in a gene for which loss-of-function is a known mechanism of disease; Published functional studies using cardiomyocytes derived from induced pluripotent stem cells demonstrated this variant activates the nonsense-mediated decay pathway and results in aberrant calcium signaling and dysregulation of a set of other cardiac genes (Seeger et al., 2019); Not observed at significant frequency in large population cohorts (gnomAD); This variant is associated with the following publications: (PMID: 19666645, 23674513, 25335496, 26026863, 18761664, 22569109, 28214152, 30731207, 31006259, 31918855, 31513939, 30847666, 32480058, 22574137, 16679492, 25525159, 26936621, 15519027, 19858127, 27532257, 23396983, 24510615, 22857948, 24111713, 28794111, 28396031, 28005231, 23233322, 20624503, 21839045, 19356534, 19574547, 30165862, 28797094, 29447731, 30742251, 31323898, 33673806, 32665702, 33662488, 32746448, 20505798, 30586709)

MGZ Medical Genetics Center
Classification: Pathogenic for Hypertrophic cardiomyopathy 4. Last evaluated: 2022-06-02. Review status: criteria provided, single submitter. Criteria: ACMG Guidelines, 2015. Collection method: clinical testing. Allele origin: germline. Affected: yes. Observed: 1 variant allele.
Comment: ACMG criteria applied: PVS1, PS3, PM2_SUP, PP1

CHEO Genetics Diagnostic Laboratory, Children's Hospital of Eastern Ontario
Classification: Pathogenic for Cardiomyopathy. Last evaluated: 2021-05-28. Review status: criteria provided, single submitter. Criteria: ACMG Guidelines, 2015. Collection method: clinical testing. Allele origin: germline.

Institute of Medical Genetics and Applied Genomics, University Hospital Tübingen
Classification: Pathogenic. Last evaluated: 2021-02-01. Review status: criteria provided, single submitter. Criteria: ACMG Guidelines, 2015. Collection method: clinical testing. Allele origin: germline. Inheritance: Autosomal dominant inheritance. Affected: yes.

Laboratory for Molecular Medicine, Mass General Brigham Personalized Medicine
Classification: Pathogenic for Hypertrophic cardiomyopathy. Last evaluated: 2020-11-03. Review status: criteria provided, single submitter. Criteria: ACMG Guidelines, 2015. Collection method: clinical testing. Allele origin: germline. Inheritance: Autosomal dominant inheritance.
Comment: The p.Arg943X variant in MYBPC3 has been reported in >25 individuals with hypertrophic cardiomyopathy (HCM) and segregated with disease in 4 affected relatives in 4 families (Alders 2003 PMID: 14563344, Lekanne Deprez 2006 PMID: 16679492, Foksteun 2008 PMID: 18409188, Morita 2008 PMID: 18403758, Michels 2009 PMID: 19356534, Van Driest 2004 PMID: 15519027, Tajsharghi 2010 PMID: 19858127, Yiu 2012 PMID: 22574137, Wessels 2014 PMID: 25335496, LMM unpublished data). Several of these individuals carried an additional clinically significant variant and presented with early onset disease. This variant has been reported by other clinical laboratories in ClinVar (Variation ID 37039) and has also been identified in 0.006% (2/30444) of South Asian chromosomes by gnomAD. This nonsense variant leads to a premature termination codon at position 943, which is predicted to lead to a truncated or absent protein. Loss of function of the MYBPC3 gene is an established disease mechanism in autosomal dominant HCM. In summary, this variant meets criteria to be classified as pathogenic for autosomal dominant HCM. ACMG/AMP criteria applied: PVS1, PS4, PP1, PM2_supporting.

Center for Human Genetics, University of Leuven
Classification: Pathogenic for Hypertrophic cardiomyopathy. Last evaluated: 2018-10-31. Review status: criteria provided, single submitter. Criteria: ACMG Guidelines, 2015. Collection method: clinical testing. Allele origin: germline. Affected: yes.

Royal Brompton Clinical Genetics And Genomics Laboratory, NHS South East Genomic Laboratory Hub
Classification: Pathogenic for Hypertrophic cardiomyopathy. Last evaluated: 2017-10-04. Review status: criteria provided, single submitter. Criteria: RBHT-CGGL ClinVar Assertion Criteria. Collection method: clinical testing. Allele origin: germline. Affected: yes. Observed: 4 variant alleles.
Comment: This variant has been reported in mutiple unrelated HCM patients in the literature (refs 1-6, below), and has also been shown to segregate with disease in multiple affected individuals in several unrelated families (Wessels et al (2015) Eur J Hum Genet 23(7)922-928). Several other clinical laboraties have also detected the variant in HCM patients referred for genetic testing (ClinVar variation ID: 37039). The variant has also been detected in control populations at a very low frequency which is compatible with the prevalence of disease (ExAC and gnomAD databases). In view of the evidence, this variant is pathogenic. - References - 1. Alders et al. (2003) Eur Heart J. 24(20):1848-53. 2. Van et al. (2004) J Am Coll Cardiol. 44(9):1903-10. 3. Christiaans et al. (2010) Neth Heart J. 18(5):248-54. 4. Millat et al. (2010) Eur J Med Genet. 53(5):261-7. 5. Yiu et al. (2012) PLoS One. 7(5):e36115. 6. Alfares et al. (2015) Genet Med.17(11):880-8. - Population Controls alleles / total (frequency): Exome Aggregation Consortium (ExAC) - 2/117632 (0.00001700), RBH healthy cohort - 0/2144 (0.0)

Stanford Center for Inherited Cardiovascular Disease, Stanford University
Classification: Pathogenic. Last evaluated: 2017-04-27. Review status: criteria provided, single submitter. Criteria: ACMG Guidelines, 2015. Collection method: provider interpretation. Allele origin: germline.